The following is an entry in ClinVar:

NM_000037.4(ANK1):c.5163G>A (p.Trp1721Ter)

Gene: ANK1 (ankyrin 1; minus strand). Cytogenetic location: 8p11.21.
Variant type: single nucleotide variant.
Coding change: c.5163G>A on transcript NM_000037.4 (MANE Select); coding-DNA position 5163, G replaced by A.
Protein change: p.Trp1721Ter; replaces tryptophan 1721 with a stop codon.
Molecular consequence: nonsense.
Genome position (GRCh38, 1-based): chr8:41,668,498, C>T on the plus strand (G>A on the coding strand, the complement: ANK1 is on the minus strand). VCF-style: chr8-41668498-C-T. GRCh37 (hg19) VCF-style: chr8-41526016-C-T.
Other names: ankyrin Saint-Etienne 1; p.Trp1721*; c.5286G>A, p.Trp1762Ter (NM_001142446.2); c.5163G>A, p.Trp1721Ter (NM_020475.3, NM_020476.3); c.4677G>A, p.Trp1559Ter (NM_020477.3); c.5163G>A (NM_020476.2); short protein forms W1721*, W1762*, W1559*.
Identifiers: ClinVar variation 509 (VCV000000509.6), dbSNP rs137852830, ClinGen allele CA114339.

ClinVar aggregate classification (germline): Pathogenic. Review status: criteria provided, multiple submitters, no conflicts (2 of 4 stars). 4 submissions from 4 submitters: Pathogenic (3). 1 of the submissions does not count toward it. Last evaluated 2025-09-11.

Conditions:
ANK1-related disorder. Also called: ANK1-related condition.
Hereditary spherocytosis type 1. Also called: Spherocytosis type 1; ANK1-Related Spherocytosis. Identifiers: Orphanet 822, MedGen C2674218, MONDO:0008447, OMIM 182900.

Submissions (4):

PreventionGenetics, part of Exact Sciences
Classification: Pathogenic for ANK1-related condition. Last evaluated: 2025-09-11. Review status: criteria provided, single submitter. Criteria: ACMG Guidelines, 2015. Collection method: clinical testing. Allele origin: germline.
Comment: The ANK1 c.5163G>A variant is predicted to result in premature protein termination (p.Trp1721*). This variant has been reported in mother and child with spherocytosis (referred to as Ankyrin Saint-Etienne 1 in Hayette et al. 1998. PubMed ID: 9590147). This variant has not been reported in a large population database (gnomAD), indicating this variant is rare. Nonsense variants in ANK1 are expected to be pathogenic. This variant is interpreted as pathogenic.

Mayo Clinic Laboratories, Mayo Clinic
Classification: Pathogenic. Last evaluated: 2023-08-09. Review status: criteria provided, single submitter. Criteria: ACMG Guidelines, 2015. Collection method: clinical testing. Allele origin: germline. Observed: 2 variant alleles.
Comment: PM2_moderate, PM6, PVS1

Revvity Omics, Revvity
Classification: Pathogenic for Hereditary spherocytosis type 1. Last evaluated: 2022-12-07. Review status: criteria provided, single submitter. Criteria: ACMG Guidelines, 2015. Collection method: clinical testing. Allele origin: germline.

OMIM
Classification: Pathogenic for SPHEROCYTOSIS, TYPE 1, DUE TO ANKYRIN SAINT-ETIENNE 1. Last evaluated: 1998-05-01. Review status: no assertion criteria provided. Collection method: literature only. Allele origin: germline. Not counted in ClinVar's aggregate classification.

Literature cited by the submitters: PubMed 9590147 (cited by Mayo Clinic Laboratories, Mayo Clinic and OMIM).